The following is an entry in ClinVar:

NM_020988.3(GNAO1):c.760A>G (p.Ile254Val)

Gene: GNAO1 (G protein subunit alpha o1; plus strand). Cytogenetic location: 16q13.
Variant type: single nucleotide variant.
Coding change: c.760A>G on transcript NM_020988.3 (MANE Select); coding-DNA position 760, A replaced by G.
Protein change: p.Ile254Val; replaces isoleucine 254 with valine.
Molecular consequence: missense variant.
Genome position (GRCh38, 1-based): chr16:56,351,420, A>G. VCF-style: chr16-56351420-A-G. GRCh37 (hg19) VCF-style: chr16-56385332-A-G.
Other names: short protein forms I254V.
Identifiers: ClinVar variation 5037404 (VCV005037404.1).
Genomic context (GRCh38, chr16:56,351,420, plus strand): 5'-TCTCCTCCCTTCCTGCGGCCGCAGAACCGCATGCACGAGTCTCTCATGCTCTTCGACTCC[A>G]TCTGTAACAACAAGTTCTTCATCGATACCTCCATCATTCTCTTCCTCAACAAGAAAGATC-3'
Protein context (NP_066268.1, residues 244-264): MHESLMLFDS[Ile254Val]CNNKFFIDTS

ClinVar aggregate classification (germline): Uncertain significance (1 of 4 stars; one submission).

Submission:

GeneDx
Classification: Uncertain significance. Last evaluated: 2026-04-18. Review status: criteria provided, single submitter. Criteria: GeneDx Variant Classification Process June 2021. Collection method: clinical testing. Allele origin: germline.
Comment: Not observed at significant frequency in large population cohorts (gnomAD); In silico analysis suggests that this missense variant does not alter protein structure/function; Has not been previously published as pathogenic or benign to our knowledge